The following is an entry in ClinVar:

ClinVar aggregate classification (germline): Likely benign (1 of 4 stars; one submission).

Submission:

CeGaT Center for Human Genetics Tuebingen
Classification: Likely benign. Last evaluated: 2025-10-01. Review status: criteria provided, single submitter. Criteria: CeGaT Center For Human Genetics Tuebingen Variant Classification Criteria Version 2. Collection method: clinical testing. Allele origin: germline. Affected: yes. Observed: 1 variant allele.
Comment: PTK2: PM2:Supporting, BP4, BP7

NM_001352702.2(PTK2):c.1752A>T (p.Val584=)

Gene: PTK2 (protein tyrosine kinase 2; minus strand). Cytogenetic location: 8q24.3.
Variant type: single nucleotide variant.
Coding change: c.1752A>T on transcript NM_001352702.2 (MANE Select); coding-DNA position 1752, A replaced by T.
Protein change: p.Val584=; no amino-acid change (valine 584 retained).
Molecular consequence: synonymous variant. On other transcripts: non-coding transcript variant (7).
Genome position (GRCh38, 1-based): chr8:140,744,657, T>A on the plus strand (A>T on the coding strand, the complement: PTK2 is on the minus strand). VCF-style: chr8-140744657-T-A. GRCh37 (hg19) VCF-style: chr8-141754756-T-A.
Other names: c.687A>T, p.Val229= (NM_001387616.1, NM_001387617.1, NM_001387621.1 and 2 more transcripts); c.1290A>T, p.Val430= (NM_001387618.1, NM_001387623.1, NM_001387652.1 and 10 more transcripts); c.1521A>T, p.Val507= (NM_001387619.1, NM_001387653.1, NM_001352728.2); c.1329A>T, p.Val443= (NM_001387620.1, NM_001387607.1, NM_001316342.2 and 3 more transcripts); c.1647A>T, p.Val549= (NM_001387622.1, NM_001387627.1, NM_001387634.1 and 2 more transcripts); c.1644A>T, p.Val548= (NM_001387624.1, NM_001387631.1, NM_001352716.2); c.1629A>T, p.Val543= (NM_001387625.1, NM_001387628.1, NM_001387632.1 and 22 more transcripts); c.705A>T, p.Val235= (NM_001387629.1); and 26 more.
Identifiers: ClinVar variation 4534853 (VCV004534853.6).